The following is an entry in ClinVar:

ClinVar aggregate classification (germline): Uncertain significance (1 of 4 stars; one submission).

Conditions:
Hereditary sensory and autonomic neuropathy type 6. Also called: HSAN VI; Neuropathy, hereditary sensory and autonomic, type VI. Identifiers: Orphanet 314381, MedGen C3539003, MONDO:0013839, OMIM 614653.
Epidermolysis bullosa simplex 3, localized or generalized intermediate, with BP230 deficiency (EBS3). Also called: Epidermolysis bullosa simplex due to BP230 deficiency; Epidermolysis bullosa simplex, autosomal recessive 2. Identifiers: Orphanet 412181, MedGen C3809470, MONDO:0014180, OMIM 615425.

Submission:

Labcorp Genetics (formerly Invitae), Labcorp
Classification: Uncertain significance for Epidermolysis bullosa simplex 3, localized or generalized intermediate, with BP230 deficiency; Hereditary sensory and autonomic neuropathy type 6. Last evaluated: 2022-07-25. Review status: criteria provided, single submitter. Criteria: Invitae Variant Classification Sherloc (09022015). Collection method: clinical testing. Allele origin: germline.
Comment: In summary, the available evidence is currently insufficient to determine the role of this variant in disease. Therefore, it has been classified as a Variant of Uncertain Significance. Experimental studies and prediction algorithms are not available or were not evaluated, and the functional significance of this variant is currently unknown. This variant has not been reported in the literature in individuals affected with DST-related conditions. This variant is not present in population databases (gnomAD no frequency). This sequence change replaces aspartic acid, which is acidic and polar, with valine, which is neutral and non-polar, at codon 1639 of the DST protein (p.Asp1639Val). The DST gene has multiple clinically relevant transcripts. This variant occurs in alternate transcript NM_015548.4, and corresponds to NM_001723.5:c.*23217A>T in the primary transcript.

NM_001374736.1(DST):c.12785A>T (p.Asp4262Val)

Gene: DST (dystonin; minus strand). Cytogenetic location: 6p12.1.
Variant type: single nucleotide variant.
Coding change: c.12785A>T on transcript NM_001374736.1 (MANE Select); coding-DNA position 12785, A replaced by T.
Protein change: p.Asp4262Val; replaces aspartic acid 4262 with valine.
Molecular consequence: missense variant.
Genome position (GRCh38, 1-based): chr6:56,592,300, T>A on the plus strand (A>T on the coding strand, the complement: DST is on the minus strand). VCF-style: chr6-56592300-T-A. GRCh37 (hg19) VCF-style: chr6-56457098-T-A.
Other names: c.6428A>T, p.Asp2143Val (NM_001144769.5); c.6014A>T, p.Asp2005Val (NM_001144770.2); c.12785A>T, p.Asp4262Val (NM_001374722.1); c.12152A>T, p.Asp4051Val (NM_001374729.1); c.5894A>T, p.Asp1965Val (NM_001374730.1, NM_001386100.1, NM_183380.4); c.12812A>T, p.Asp4271Val (NM_001374734.1); c.4916A>T, p.Asp1639Val (NM_015548.5); short protein forms D4051V, D4271V, D1965V, D2143V, D1639V, D2005V, D4262V.
Identifiers: ClinVar variation 1365104 (VCV001365104.7), dbSNP rs2152685606, ClinGen allele CA364524622.